The following is an entry in ClinVar:

NM_005204.4(MAP3K8):c.64A>C (p.Asn22His)

Gene: MAP3K8 (mitogen-activated protein kinase kinase kinase 8; plus strand). Cytogenetic location: 10p11.23.
Variant type: single nucleotide variant.
Coding change: c.64A>C on transcript NM_005204.4 (MANE Select); coding-DNA position 64, A replaced by C.
Protein change: p.Asn22His; replaces asparagine 22 with histidine.
Molecular consequence: missense variant.
Genome position (GRCh38, 1-based): chr10:30,439,002, A>C. VCF-style: chr10-30439002-A-C. GRCh37 (hg19) VCF-style: chr10-30727931-A-C.
Other names: c.64A>C, p.Asn22His (NM_001244134.1, NM_001320961.2); c.64A>C (NM_005204.3); short protein forms N22H.
Identifiers: ClinVar variation 2984839 (VCV002984839.4), dbSNP rs778965236, ClinGen allele CA5459575.

ClinVar aggregate classification (germline): Uncertain significance. Review status: criteria provided, multiple submitters, no conflicts (2 of 4 stars). 2 submissions from 2 submitters: Uncertain significance (2). Last evaluated 2026-09-08.

Conditions:
MAP3K8-related disorder. Also called: MAP3K8-related condition.

Allele frequency attached by ClinVar (database versions not stated): ExAC 0.00001; gnomAD 0.00001; TOPMed 0.00002.
gnomAD v4.1: 54 of 1,612,492 alleles (0.0033%); highest among the groups gnomAD compares: Non-Finnish European, 0.0046%; no homozygotes.

Submissions (2):

PreventionGenetics, part of Exact Sciences
Classification: Uncertain significance for MAP3K8-related condition. Last evaluated: 2026-09-08. Review status: criteria provided, single submitter. Criteria: ACMG Guidelines, 2015. Collection method: clinical testing. Allele origin: germline.
Comment: The MAP3K8 c.64A>C variant is predicted to result in the amino acid substitution p.Asn22His. To our knowledge, this variant has not been reported in the literature. This variant is reported in 0.0031% of alleles in individuals of European (Non-Finnish) descent in gnomAD. At this time, the clinical significance of this variant is uncertain due to the absence of conclusive functional and genetic evidence.

Labcorp Genetics (formerly Invitae), Labcorp
Classification: Uncertain significance. Last evaluated: 2024-01-15. Review status: criteria provided, single submitter. Criteria: Invitae Variant Classification Sherloc (09022015). Collection method: clinical testing. Allele origin: germline.
Comment: This sequence change replaces asparagine, which is neutral and polar, with histidine, which is basic and polar, at codon 22 of the MAP3K8 protein (p.Asn22His). This variant is present in population databases (rs778965236, gnomAD 0.003%). This variant has not been reported in the literature in individuals affected with MAP3K8-related conditions. An algorithm developed to predict the effect of missense changes on protein structure and function (PolyPhen-2) suggests that this variant is likely to be disruptive. In summary, the available evidence is currently insufficient to determine the role of this variant in disease. Therefore, it has been classified as a Variant of Uncertain Significance.